The following is an entry in ClinVar:

NM_001613.4(ACTA2):c.251T>C (p.Met84Thr)

Gene: ACTA2 (actin alpha 2, smooth muscle; minus strand). Cytogenetic location: 10q23.31.
Variant type: single nucleotide variant.
Coding change: c.251T>C on transcript NM_001613.4 (MANE Select); coding-DNA position 251, T replaced by C.
Protein change: p.Met84Thr; replaces methionine 84 with threonine.
Molecular consequence: missense variant.
Genome position (GRCh38, 1-based): chr10:88,947,265, A>G on the plus strand (T>C on the coding strand, the complement: ACTA2 is on the minus strand). VCF-style: chr10-88947265-A-G. GRCh37 (hg19) VCF-style: chr10-90707022-A-G.
Other names: c.251T>C, p.Met84Thr (NM_001141945.3, NM_001320855.2, NM_001406462.1 and 4 more transcripts); short protein forms M84T.
Identifiers: ClinVar variation 662741 (VCV000662741.10), dbSNP rs1589398956, ClinGen allele CA377513291.

ClinVar aggregate classification (germline): Uncertain significance (1 of 4 stars; one submission).

Conditions:
Aortic aneurysm, familial thoracic 6 (AAT6). Also called: FAMILIAL THORACIC AORTIC ANEURYSM WITH LIVEDO RETICULARIS AND IRIS FLOCCULI. Identifiers: MedGen C2673186, MONDO:0012730, OMIM 611788.

Allele frequency attached by ClinVar (database versions not stated): gnomAD exomes below 0.00001.
gnomAD v4.1: 1 of 1,613,754 alleles (0.000062%); highest among the groups gnomAD compares: East Asian, 0.0022%; no homozygotes.

Submission:

Labcorp Genetics (formerly Invitae), Labcorp
Classification: Uncertain significance for Aortic aneurysm, familial thoracic 6. Last evaluated: 2018-12-11. Review status: criteria provided, single submitter. Criteria: Invitae Variant Classification Sherloc (09022015). Collection method: clinical testing. Allele origin: germline.
Comment: This sequence change replaces methionine with threonine at codon 84 of the ACTA2 protein (p.Met84Thr). The methionine residue is highly conserved and there is a moderate physicochemical difference between methionine and threonine. This variant is not present in population databases (ExAC no frequency). In summary, the available evidence is currently insufficient to determine the role of this variant in disease. Therefore, it has been classified as a Variant of Uncertain Significance. Algorithms developed to predict the effect of missense changes on protein structure and function are either unavailable or do not agree on the potential impact of this missense change (SIFT: "Tolerated"; PolyPhen-2: "Probably Damaging"; Align-GVGD: "Class C0"). This variant has not been reported in the literature in individuals with ACTA2-related conditions.